The following is an entry in ClinVar:

NM_000860.6(HPGD):c.14G>C (p.Gly5Ala)

Gene: HPGD (15-hydroxyprostaglandin dehydrogenase; minus strand). Cytogenetic location: 4q34.1.
Variant type: single nucleotide variant.
Coding change: c.14G>C on transcript NM_000860.6 (MANE Select); coding-DNA position 14, G replaced by C.
Protein change: p.Gly5Ala; replaces glycine 5 with alanine.
Molecular consequence: missense variant. On other transcripts: 5 prime UTR variant (1), intron variant (1).
Genome position (GRCh38, 1-based): chr4:174,522,438, C>G on the plus strand (G>C on the coding strand, the complement: HPGD is on the minus strand). VCF-style: chr4-174522438-C-G. GRCh37 (hg19) VCF-style: chr4-175443589-C-G.
Other names: c.14G>C, p.Gly5Ala (NM_001145816.3, NM_001256305.2, NM_001256306.2 and 1 more transcripts); c.-243G>C (NM_001256307.2); c.-271+186G>C (NM_001256301.1); short protein forms G5A.
Identifiers: ClinVar variation 1998704 (VCV001998704.4), dbSNP rs868773592, ClinGen allele CA111128739.
Genomic context (GRCh38, chr4:174,522,438, plus strand): 5'-AGCGCCTCTGCAAAGGCTCTGCCTATGCCCTGAGCCGCGCCGGTCACCAGCGCCACTTTG[C>G]CGTTCACGTGCATGGTGCAGCCACTGCTGGGGCGGGCGGTGGGCGAGCTCCGCGTCTCCG-3'
Protein context (NP_000851.2, residues 1-15): MHVN[Gly5Ala]KVALVTGAAQ

ClinVar aggregate classification (germline): Uncertain significance (1 of 4 stars; one submission).

gnomAD v4.1: 2 of 1,580,764 alleles (0.00013%); highest among the groups gnomAD compares: Non-Finnish European, 0.00017%; no homozygotes.

Submission:

Labcorp Genetics (formerly Invitae), Labcorp
Classification: Uncertain significance. Last evaluated: 2022-06-23. Review status: criteria provided, single submitter. Criteria: Invitae Variant Classification Sherloc (09022015). Collection method: clinical testing. Allele origin: germline.
Comment: This sequence change replaces glycine, which is neutral and non-polar, with alanine, which is neutral and non-polar, at codon 5 of the HPGD protein (p.Gly5Ala). This variant is not present in population databases (gnomAD no frequency). This variant has not been reported in the literature in individuals affected with HPGD-related conditions. Algorithms developed to predict the effect of missense changes on protein structure and function are either unavailable or do not agree on the potential impact of this missense change (SIFT: "Deleterious"; PolyPhen-2: "Benign"; Align-GVGD: "Class C0"). In summary, the available evidence is currently insufficient to determine the role of this variant in disease. Therefore, it has been classified as a Variant of Uncertain Significance.